The following is an entry in ClinVar:

ClinVar aggregate classification (germline): Pathogenic (1 of 4 stars; one submission).

Conditions:
Tuberous sclerosis 1 (TSC1). Identifiers: Orphanet 805, MedGen C1854465, MONDO:0008612, OMIM 191100.

Submission:

Labcorp Genetics (formerly Invitae), Labcorp
Classification: Pathogenic for Tuberous sclerosis 1. Last evaluated: 2019-07-14. Review status: criteria provided, single submitter. Criteria: Invitae Variant Classification Sherloc (09022015). Collection method: clinical testing. Allele origin: germline.
Comment: This sequence change creates a premature translational stop signal (p.Leu703Thrfs*3) in the TSC1 gene. It is expected to result in an absent or disrupted protein product. This variant is not present in population databases (ExAC no frequency). This variant has been reported in individuals in the Leiden Open-source Variation Database (PMID: 21520333). Loss-of-function variants in TSC1 are known to be pathogenic (PMID: 10227394, 17304050). For these reasons, this variant has been classified as Pathogenic.

Literature cited by the submitters: PubMed 21520333; PubMed 10227394; PubMed 17304050.

NM_000368.5(TSC1):c.2106dup (p.Leu703fs)

Gene: TSC1 (TSC complex subunit 1; minus strand). Cytogenetic location: 9q34.13.
Variant type: Duplication.
Coding change: c.2106dup on transcript NM_000368.5 (MANE Select); coding-DNA position 2106, one base duplicated (A; older notation c.2106dupA).
Protein change: p.Leu703fs; shifts the reading frame from leucine 703.
Molecular consequence: frameshift variant.
Genome position (GRCh38, 1-based): chr9:132,903,753, T duplicated on the plus strand (A on the coding strand, the reverse complement: TSC1 is on the minus strand). VCF-style (leftmost placement, unchanged base first): chr9-132903752-G-GT. GRCh37 (hg19) VCF-style: chr9-135779139-G-GT.
Other names: c.2103dup, p.Leu702fs (NM_001162426.2); c.1953dup, p.Leu652fs (NM_001162427.2); c.1743dup, p.Leu582fs (NM_001362177.2); short protein forms L582fs, L652fs, L702fs, L703fs.
Identifiers: ClinVar variation 947191 (VCV000947191.9), dbSNP rs397514838, ClinGen allele CA1139661271.